The following is an entry in ClinVar:

NM_002860.4(ALDH18A1):c.259G>A (p.Glu87Lys)

Gene: ALDH18A1 (aldehyde dehydrogenase 18 family member A1; minus strand). Cytogenetic location: 10q24.1.
Variant type: single nucleotide variant.
Coding change: c.259G>A on transcript NM_002860.4 (MANE Select); coding-DNA position 259, G replaced by A.
Protein change: p.Glu87Lys; replaces glutamic acid 87 with lysine.
Molecular consequence: missense variant. On other transcripts: intron variant (4).
Genome position (GRCh38, 1-based): chr10:95,643,036, C>T on the plus strand (G>A on the coding strand, the complement: ALDH18A1 is on the minus strand). VCF-style: chr10-95643036-C-T. GRCh37 (hg19) VCF-style: chr10-97402793-C-T.
Other names: p.Glu87Lys; c.259G>A, p.Glu87Lys (NM_001017423.2, NM_001323413.2, NM_001323414.2 and 2 more transcripts); c.-78-9387G>A (NM_001323419.2); c.-30-5600G>A (NM_001323412.2, NM_001323418.2, NM_001323416.2); c.259G>A (NM_002860.3); short protein forms E87K.
Identifiers: ClinVar variation 2039071 (VCV002039071.6), dbSNP rs369143587, ClinGen allele CA5620657.

ClinVar aggregate classification (germline): Uncertain significance. Review status: criteria provided, multiple submitters, no conflicts (2 of 4 stars). 3 submissions from 3 submitters: Uncertain significance (2). 1 of the submissions does not count toward it. Last evaluated 2025-09-03.

Conditions:
Autosomal dominant spastic paraplegia type 9. Identifiers: MedGen C1832669, MONDO:0015091.
Cutis laxa, autosomal dominant 3 (ADCL3). Identifiers: Orphanet 90348, MedGen C4225268, MONDO:0014706, OMIM 616603.
de Barsy syndrome. Also called: Cutis laxa-corneal clouding-oligophrenia syndrome. Identifiers: Orphanet 2962, MedGen C0268354, MONDO:0017569.
ALDH18A1-related disorder. Also called: ALDH18A1-related disorders.

Allele frequency attached by ClinVar (database versions not stated): TOPMed below 0.00001; gnomAD exomes 0.00002; ExAC 0.00004; ESP Exome Variant Server 0.00008.
gnomAD v4.1: 29 of 1,614,022 alleles (0.0018%); highest among the groups gnomAD compares: South Asian, 0.014%; no homozygotes.

Submissions (3):

Mayo Clinic Laboratories, Mayo Clinic
Classification: Uncertain significance. Last evaluated: 2025-09-03. Review status: criteria provided, single submitter. Criteria: ACMG Guidelines, 2015. Collection method: clinical testing. Allele origin: germline. Observed: 1 variant allele.

Labcorp Genetics (formerly Invitae), Labcorp
Classification: Uncertain significance for Autosomal dominant spastic paraplegia type 9; de Barsy syndrome; Cutis laxa, autosomal dominant 3. Last evaluated: 2023-08-30. Review status: criteria provided, single submitter. Criteria: Invitae Variant Classification Sherloc (09022015). Collection method: clinical testing. Allele origin: germline.
Comment: In summary, the available evidence is currently insufficient to determine the role of this variant in disease. Therefore, it has been classified as a Variant of Uncertain Significance. Advanced modeling of protein sequence and biophysical properties (such as structural, functional, and spatial information, amino acid conservation, physicochemical variation, residue mobility, and thermodynamic stability) has been performed at Invitae for this missense variant, however the output from this modeling did not meet the statistical confidence thresholds required to predict the impact of this variant on ALDH18A1 protein function. This sequence change replaces glutamic acid, which is acidic and polar, with lysine, which is basic and polar, at codon 87 of the ALDH18A1 protein (p.Glu87Lys). This variant is present in population databases (rs369143587, gnomAD 0.02%). This variant has not been reported in the literature in individuals affected with ALDH18A1-related conditions. ClinVar contains an entry for this variant (Variation ID: 2039071).

PreventionGenetics, part of Exact Sciences
Classification: Uncertain significance for ALDH18A1-related condition. Last evaluated: 2024-05-10. Review status: no assertion criteria provided. Collection method: clinical testing. Allele origin: germline. Not counted in ClinVar's aggregate classification.
Comment: The ALDH18A1 c.259G>A variant is predicted to result in the amino acid substitution p.Glu87Lys. To our knowledge, this variant has not been reported in the literature. This variant is reported in 0.016% of alleles in individuals of South Asian descent in gnomAD. At this time, the clinical significance of this variant is uncertain due to the absence of conclusive functional and genetic evidence.